The following is an entry in ClinVar:

NM_005359.6(SMAD4):c.1141T>G (p.Leu381Val)

Gene: SMAD4 (SMAD family member 4; plus strand). Cytogenetic location: 18q21.2.
Variant type: single nucleotide variant.
Coding change: c.1141T>G on transcript NM_005359.6 (MANE Select); coding-DNA position 1141, T replaced by G.
Protein change: p.Leu381Val; replaces leucine 381 with valine.
Molecular consequence: missense variant. On other transcripts: non-coding transcript variant (1).
Genome position (GRCh38, 1-based): chr18:51,067,020, T>G. VCF-style: chr18-51067020-T-G. GRCh37 (hg19) VCF-style: chr18-48593390-T-G.
Other names: c.1141T>G, p.Leu381Val (NM_001407041.1, NM_001407042.1); short protein forms L381V.
Identifiers: ClinVar variation 3445851 (VCV003445851.1).

ClinVar aggregate classification (germline): Uncertain significance (1 of 4 stars; one submission).

Conditions:
Familial thoracic aortic aneurysm and aortic dissection (TAAD). Also called: Thoracic aortic aneurysms and dissections. Identifiers: Orphanet 91387, MedGen C4707243, MONDO:0019625.
Hereditary cancer-predisposing syndrome. Also called: Tumor predisposition; Neoplastic Syndromes, Hereditary; Hereditary neoplastic syndrome; Hereditary Cancer Syndrome. Identifiers: Orphanet 140162, MedGen C0027672, MeSH D009386, MONDO:0015356.

Submission:

Ambry Genetics
Classification: Uncertain significance for Hereditary cancer-predisposing syndrome; Familial thoracic aortic aneurysm and aortic dissection. Last evaluated: 2024-08-26. Review status: criteria provided, single submitter. Criteria: Ambry Variant Classification Scheme 2023. Collection method: clinical testing. Allele origin: germline.
Comment: The p.L381V variant (also known as c.1141T>G), located in coding exon 9 of the SMAD4 gene, results from a T to G substitution at nucleotide position 1141. The leucine at codon 381 is replaced by valine, an amino acid with highly similar properties. This amino acid position is conserved. In addition, this alteration is predicted to be deleterious by in silico analysis. Based on the available evidence, the clinical significance of this variant remains unclear.